The following is an entry in ClinVar:

ClinVar aggregate classification (germline): Uncertain significance. Review status: criteria provided, multiple submitters, no conflicts (2 of 4 stars). 2 submissions from 2 submitters: Uncertain significance (2). Last evaluated 2025-03-18.

Conditions:
Dyskeratosis congenita. Identifiers: Orphanet 1775, MedGen C0265965, MONDO:0015780.

Allele frequency attached by ClinVar (database versions not stated): gnomAD exomes 0.00002 and below 0.00001.
gnomAD v4.1: 25 of 1,614,192 alleles (0.0015%); highest among the groups gnomAD compares: Non-Finnish European, 0.0021%; no homozygotes.

Submissions (2):

Dasa
Classification: Uncertain significance. Last evaluated: 2025-03-18. Review status: criteria provided, single submitter. Criteria: DASA Assertion Criteria. Collection method: clinical testing. Allele origin: germline.
Comment: NM_025099.6(CTC1):c.3421T>C (p.Phe1141Leu) is a missense variant that results in the substitution of phenylalanine with leucine. This variant is rare in population databases. Computational prediction algorithms are consistent with a benign effect. The currently available literature and clinical evidence are not sufficient to establish a definitive association between this variant and the reported condition. Therefore, this variant is classified as a variant of uncertain significance.

Labcorp Genetics (formerly Invitae), Labcorp
Classification: Uncertain significance for Dyskeratosis congenita. Last evaluated: 2021-12-15. Review status: criteria provided, single submitter. Criteria: Invitae Variant Classification Sherloc (09022015). Collection method: clinical testing. Allele origin: germline.
Comment: This sequence change replaces phenylalanine, which is neutral and non-polar, with leucine, which is neutral and non-polar, at codon 1141 of the CTC1 protein (p.Phe1141Leu). This variant is present in population databases (no rsID available, gnomAD 0.0009%). This variant has not been reported in the literature in individuals affected with CTC1-related conditions. ClinVar contains an entry for this variant (Variation ID: 660907). Algorithms developed to predict the effect of missense changes on protein structure and function output the following: SIFT: "Tolerated"; PolyPhen-2: "Benign"; Align-GVGD: "Class C0". The leucine amino acid residue is found in multiple mammalian species, which suggests that this missense change does not adversely affect protein function. In summary, the available evidence is currently insufficient to determine the role of this variant in disease. Therefore, it has been classified as a Variant of Uncertain Significance.

NM_025099.6(CTC1):c.3421T>C (p.Phe1141Leu)

Gene: CTC1 (CST telomere replication complex component 1; minus strand). Cytogenetic location: 17p13.1.
Variant type: single nucleotide variant.
Coding change: c.3421T>C on transcript NM_025099.6 (MANE Select); coding-DNA position 3421, T replaced by C.
Protein change: p.Phe1141Leu; replaces phenylalanine 1141 with leucine.
Molecular consequence: missense variant. On other transcripts: non-coding transcript variant (1).
Genome position (GRCh38, 1-based): chr17:8,228,596, A>G on the plus strand (T>C on the coding strand, the complement: CTC1 is on the minus strand). VCF-style: chr17-8228596-A-G. GRCh37 (hg19) VCF-style: chr17-8131914-A-G.
Other names: short protein forms F1141L.
Identifiers: ClinVar variation 660907 (VCV000660907.6), dbSNP rs1302492698, ClinGen allele CA397968731.